The following is an entry in ClinVar:

ClinVar aggregate classification (germline): Benign. Review status: criteria provided, multiple submitters, no conflicts (2 of 4 stars). 2 submissions from 2 submitters: Benign (2). Last evaluated 2018-06-14.

Allele frequency attached by ClinVar (database versions not stated): ESP Exome Variant Server 0.43539; TOPMed 0.47188; gnomAD 0.49866; gnomAD exomes 0.53631 and 0.59149; 1000 Genomes Project 30x 0.57745; ExAC 0.58535; 1000 Genomes Project 0.59046.

Submissions (2):

GeneDx
Classification: Benign. Last evaluated: 2018-06-14. Review status: criteria provided, single submitter. Criteria: GeneDx Variant Classification (06012015). Collection method: clinical testing. Allele origin: germline. Affected: yes.
Comment: This variant is considered likely benign or benign based on one or more of the following criteria: it is a conservative change, it occurs at a poorly conserved position in the protein, it is predicted to be benign by multiple in silico algorithms, and/or has population frequency not consistent with disease.

Breakthrough Genomics
Classification: Benign. Review status: criteria provided, single submitter. Criteria: ACMG Guidelines, 2015. Collection method: not provided. Allele origin: germline. Inheritance: Autosomal recessive inheritance. Affected: yes.

NM_002206.3(ITGA7):c.2845-44G>C

Gene: ITGA7 (integrin subunit alpha 7; minus strand). Cytogenetic location: 12q13.2.
Variant type: single nucleotide variant.
Coding change: c.2845-44G>C on transcript NM_002206.3 (MANE Select); 44 bases into the intron before coding-DNA position 2845, G replaced by C.
Molecular consequence: intron variant.
Genome position (GRCh38, 1-based): chr12:55,689,001, C>G on the plus strand (G>C on the coding strand, the complement: ITGA7 is on the minus strand). VCF-style: chr12-55689001-C-G. GRCh37 (hg19) VCF-style: chr12-56082785-C-G.
Other names: c.2566-44G>C (NM_001144997.2); c.2518-44G>C (NM_001367993.1); c.2506-44G>C (NM_001414035.1); c.2662-44G>C (NM_001414033.1); c.1501-44G>C (NM_001367994.1); c.2725-44G>C (NM_001414032.1); c.2758-44G>C (NM_001414031.1); c.2827-44G>C (NM_001374465.1); and 5 more.
Identifiers: ClinVar variation 682027 (VCV000682027.2), dbSNP rs3782240, ClinGen allele CA6615439.
Genomic context (GRCh38, chr12:55,689,001, plus strand): 5'-GTGCCCCGGGCGCAGTCCTAGGGATAAGGACAGACAGGGGTCTAAGCCACTCAGCTCAAC[C>G]CTGCTGAGACTGCCATCTCTCCCATTTTCCTTACTTGACCTCAAACTCCCCTCCTCCAGG-3'